The following is an entry in ClinVar:

NM_000393.5(COL5A2):c.98-13T>A

Gene: COL5A2 (collagen type V alpha 2 chain; minus strand). Cytogenetic location: 2q32.2.
Variant type: single nucleotide variant.
Coding change: c.98-13T>A on transcript NM_000393.5 (MANE Select); 13 bases into the intron before coding-DNA position 98, T replaced by A.
Molecular consequence: intron variant.
Genome position (GRCh38, 1-based): chr2:189,110,462, A>T on the plus strand (T>A on the coding strand, the complement: COL5A2 is on the minus strand). VCF-style: chr2-189110462-A-T. GRCh37 (hg19) VCF-style: chr2-189975188-A-T.
Identifiers: ClinVar variation 517896 (VCV000517896.13), dbSNP rs376487446, ClinGen allele CA2023188.

ClinVar aggregate classification (germline): Benign/Likely benign. Review status: criteria provided, multiple submitters, no conflicts (2 of 4 stars). 4 submissions from 4 submitters: Benign (1); Likely benign (3). Last evaluated 2026-03-24.

Conditions:
Ehlers-Danlos syndrome, classic type, 2 (EDSCL2). Also called: Ehlers-Danlos Syndrome, Classic Type, COL5A2-Related; Ehlers-Danlos syndrome, type 2; Ehlers-Danlos syndrome type 2 (formerly). Identifiers: Orphanet 287, Orphanet 90318, MedGen C0268336, MONDO:0019568, OMIM 130010.
Ehlers-Danlos syndrome, classic type, 1 (EDSCL1). Also called: Ehlers-Danlos Syndrome, Classic Type, COL5A1-Related; EDS I; Ehlers-Danlos syndrome, type 1; EHLERS-DANLOS SYNDROME, GRAVIS TYPE; EHLERS-DANLOS SYNDROME, SEVERE CLASSIC TYPE. Identifiers: MedGen C0268335, MONDO:0019567, OMIM 130000.

Allele frequency attached by ClinVar (database versions not stated): gnomAD 0.00027 and 0.00031; 1000 Genomes Project 30x 0.00078; gnomAD exomes 0.00001 and 0.00006; TOPMed 0.00023; 1000 Genomes Project 0.00060; ExAC 0.00008; ESP Exome Variant Server 0.00023.
gnomAD v4.1: 63 of 1,602,034 alleles (0.0039%); highest among the groups gnomAD compares: African/African-American, 0.072%; no homozygotes.

Submissions (4):

Women's Health and Genetics/Laboratory Corporation of America, LabCorp
Classification: Benign. Last evaluated: 2026-03-24. Review status: criteria provided, single submitter. Criteria: LabCorp Variant Classification Summary - May 2015. Collection method: clinical testing. Allele origin: germline.

Labcorp Genetics (formerly Invitae), Labcorp
Classification: Likely benign for Ehlers-Danlos syndrome, classic type, 1. Last evaluated: 2025-09-16. Review status: criteria provided, single submitter. Criteria: Invitae Variant Classification Sherloc (09022015). Collection method: clinical testing. Allele origin: germline.

Illumina Laboratory Services, Illumina
Classification: Likely benign for Ehlers-Danlos syndrome, classic type, 2. Last evaluated: 2018-01-13. Review status: criteria provided, single submitter. Criteria: ICSL Variant Classification Criteria 13 December 2019. Collection method: clinical testing. Allele origin: germline.
Comment: This variant was observed in the ICSL laboratory as part of a predisposition screen in an ostensibly healthy population. It had not been previously curated by ICSL or reported in the Human Gene Mutation Database (HGMD: prior to June 1st, 2018), and was therefore a candidate for classification through an automated scoring system. Utilizing variant allele frequency, disease prevalence and penetrance estimates, and inheritance mode, an automated score was calculated to assess if this variant is too frequent to cause the disease. Based on the score and internal cut-off values, a variant classified as likely benign is not then subjected to further curation. The score for this variant resulted in a classification of likely benign for this disease.

GeneDx
Classification: Likely benign. Last evaluated: 2017-06-01. Review status: criteria provided, single submitter. Criteria: GeneDx Variant Classification (06012015). Collection method: clinical testing. Allele origin: germline. Affected: yes.
Comment: This variant is considered likely benign or benign based on one or more of the following criteria: it is a conservative change, it occurs at a poorly conserved position in the protein, it is predicted to be benign by multiple in silico algorithms, and/or has population frequency not consistent with disease.